The following is an entry in ClinVar:

ClinVar aggregate classification (germline): Uncertain significance (1 of 4 stars; one submission).

Submission:

GeneDx
Classification: Uncertain significance. Last evaluated: 2023-11-15. Review status: criteria provided, single submitter. Criteria: GeneDx Variant Classification Process June 2021. Collection method: clinical testing. Allele origin: germline. Affected: yes.
Comment: Nonsense variant predicted to result in protein truncation or nonsense mediated decay in a gene or region of a gene for which loss of function is not a well-established mechanism of disease; Not observed at significant frequency in large population cohorts (gnomAD); Has not been previously published as pathogenic or benign to our knowledge

NM_014233.4(UBTF):c.520C>T (p.Arg174Ter)

Genes: ATXN7L3-AS1 (ATXN7L3 antisense RNA 1; plus strand), UBTF (upstream binding transcription factor; minus strand). Cytogenetic location: 17q21.31.
Variant type: single nucleotide variant.
Coding change: c.520C>T on transcript NM_014233.4 (MANE Select); coding-DNA position 520, C replaced by T.
Protein change: p.Arg174Ter; replaces arginine 174 with a stop codon.
Molecular consequence: nonsense. On other transcripts: non-coding transcript variant (1).
Genome position (GRCh38, 1-based): chr17:44,213,237, G>A on the plus strand (C>T on the coding strand, the complement: UBTF is on the minus strand). VCF-style: chr17-44213237-G-A. GRCh37 (hg19) VCF-style: chr17-42290605-G-A.
Other names: c.520C>T, p.Arg174Ter (NM_001076683.2, NM_001076684.3); short protein forms R174*.
Identifiers: ClinVar variation 3364371 (VCV003364371.1).
Genomic context (GRCh38, chr17:44,213,237, plus strand): 5'-CCCAGTGCCCCGTGGCCCTCCTCTGGGCTCCACTGCCTTACCTGAATCGGGCCAGGTTTC[G>A]CTCGAACTCCTGTTTCTCTCTCTGGAAGTCCTGAATATATTTCATCTGGGGGGAGGAGGG-3'